The following is an entry in ClinVar:

ClinVar aggregate classification (germline): Uncertain significance (1 of 4 stars; one submission).

Conditions:
Alpha thalassemia-X-linked intellectual disability syndrome (ATRX). Also called: ALPHA-THALASSEMIA/MENTAL RETARDATION SYNDROME, X-LINKED; ATR, NONDELETION TYPE; ATR-X syndrome; Alpha thalassemia mental retardation syndrome, nondeletion type, X-linked; XLMR hypotonic face syndrome; X-linked alpha-thalassemia-mental retardation syndrome. Identifiers: Orphanet 847, MedGen C1845055, MONDO:0010519, OMIM 301040.

Submission:

Labcorp Genetics (formerly Invitae), Labcorp
Classification: Uncertain significance for Alpha thalassemia-X-linked intellectual disability syndrome. Last evaluated: 2021-08-12. Review status: criteria provided, single submitter. Criteria: Invitae Variant Classification Sherloc (09022015). Collection method: clinical testing. Allele origin: germline.
Comment: This variant results in a copy number gain of the genomic region encompassing exon(s) 2-35 of the ATRX gene. This region includes the termination codon of the gene. This copy number gain extends beyond the assayed region for this gene and therefore may encompass additional genes. As the precise location of this event is unknown, it may be in tandem or it may be located elsewhere in the genome. A similar copy number variant has been observed in individual(s) with ATRX syndrome (PMID: 17579672). Experimental studies and prediction algorithms are not available or were not evaluated, and the functional significance of this variant is currently unknown. In summary, the available evidence is currently insufficient to determine the role of this variant in disease. Therefore, it has been classified as a Variant of Uncertain Significance.

Literature cited by the submitters: PubMed 17579672.

NC_000023.10:g.(?_76763829)_(76972740_?)dup

Gene: ATRX (ATRX chromatin remodeler; minus strand). Cytogenetic location: Xq21.1.
Variant type: Duplication.
Identifiers: ClinVar variation 2423151 (VCV002423151.2).